The following is an entry in ClinVar:

ClinVar aggregate classification (germline): Pathogenic (1 of 4 stars; one submission).

Submission:

Labcorp Genetics (formerly Invitae), Labcorp
Classification: Pathogenic. Last evaluated: 2025-08-18. Review status: criteria provided, single submitter. Criteria: Invitae Variant Classification Sherloc (09022015). Collection method: clinical testing. Allele origin: germline.
Comment: This sequence change replaces glycine, which is neutral and non-polar, with serine, which is neutral and polar, at codon 654 of the COL2A1 protein (p.Gly654Ser). This variant is not present in population databases (gnomAD no frequency). This missense change has been observed in individual(s) with autosomal dominant COL2A1-related conditions (PMID: 22791362, 34394176). In at least one individual the variant was observed to be de novo. ClinVar contains an entry for this variant (Variation ID: 1474358). Invitae Evidence Modeling of protein sequence and biophysical properties (such as structural, functional, and spatial information, amino acid conservation, physicochemical variation, residue mobility, and thermodynamic stability) indicates that this missense variant is expected to disrupt COL2A1 protein function with a positive predictive value of 95%. This variant disrupts the triple helix domain of COL2A1. Glycine residues within the Gly-Xaa-Yaa repeats of the triple helix domain are required for the structure and stability of fibrillar collagens (PMID: 7695699, 8218237, 19344236). In COL2A1, variants affecting these glycine residues are significantly enriched in individuals with disease (PMID: 9016532, 17078022) compared to the general population (ExAC). For these reasons, this variant has been classified as Pathogenic.

Literature cited by the submitters: PubMed 22791362; PubMed 34394176; PubMed 7695699; PubMed 8218237; PubMed 19344236; PubMed 9016532; PubMed 17078022.

NM_001844.5(COL2A1):c.1960G>A (p.Gly654Ser)

Gene: COL2A1 (collagen type II alpha 1 chain; minus strand). Cytogenetic location: 12q13.11.
Variant type: single nucleotide variant.
Coding change: c.1960G>A on transcript NM_001844.5 (MANE Select); coding-DNA position 1960, G replaced by A.
Protein change: p.Gly654Ser; replaces glycine 654 with serine.
Molecular consequence: missense variant.
Genome position (GRCh38, 1-based): chr12:47,983,718, C>T on the plus strand (G>A on the coding strand, the complement: COL2A1 is on the minus strand). VCF-style: chr12-47983718-C-T. GRCh37 (hg19) VCF-style: chr12-48377501-C-T.
Other names: c.1753G>A, p.Gly585Ser (NM_033150.3); short protein forms G654S, G585S.
Identifiers: ClinVar variation 1474358 (VCV001474358.6), dbSNP rs1322543333, ClinGen allele CA384548528.
Genomic context (GRCh38, chr12:47,983,718, plus strand): 5'-CAGAGAGCCTGGTCCAGCCACCTACCTGGAACCCAGATGGCCCAGGAGCACCCTGCTCGC[C>T]TCGTTCACCAGCAGGTCCCTGCAGTGGAAAAGAAAAGGTGAGCTGAGCCAGTGTTCCAGA-3'
Protein context (NP_001835.3, residues 644-664): PGPAGPAGER[Gly654Ser]EQGAPGPSGF